The following is an entry in ClinVar:

NM_002485.5(NBN):c.112G>C (p.Asp38His)

Gene: NBN (nibrin; minus strand). Cytogenetic location: 8q21.3.
Variant type: single nucleotide variant.
Coding change: c.112G>C on transcript NM_002485.5 (MANE Select); coding-DNA position 112, G replaced by C.
Protein change: p.Asp38His; replaces aspartic acid 38 with histidine.
Molecular consequence: missense variant. On other transcripts: 5 prime UTR variant (1).
Genome position (GRCh38, 1-based): chr8:89,982,781, C>G on the plus strand (G>C on the coding strand, the complement: NBN is on the minus strand). VCF-style: chr8-89982781-C-G. GRCh37 (hg19) VCF-style: chr8-90995009-C-G.
Other names: c.-185G>C (NM_001024688.3); short protein forms D38H.
Identifiers: ClinVar variation 232117 (VCV000232117.22), dbSNP rs876659565, ClinGen allele CA10578813.

ClinVar aggregate classification (germline): Uncertain significance. Review status: criteria provided, multiple submitters, no conflicts (2 of 4 stars). 4 submissions from 4 submitters: Uncertain significance (3). 1 of the submissions does not count toward it. Last evaluated 2025-09-17.

Conditions:
Hereditary cancer-predisposing syndrome. Also called: Hereditary Cancer Syndrome; Neoplastic Syndromes, Hereditary; Tumor predisposition; Hereditary neoplastic syndrome. Identifiers: Orphanet 140162, MedGen C0027672, MeSH D009386, MONDO:0015356.
Microcephaly, normal intelligence and immunodeficiency (NBS). Also called: BERLIN BREAKAGE SYNDROME; Ataxia telangiectasia variant V1; IMMUNODEFICIENCY, MICROCEPHALY, AND CHROMOSOMAL INSTABILITY; SEEMANOVA SYNDROME II; Nijmegen breakage syndrome; Microcephaly with normal intelligence immunodeficiency and lymphoreticular malignancies. Identifiers: Orphanet 647, MedGen C0398791, MONDO:0009623, OMIM 251260.

Allele frequency attached by ClinVar (database versions not stated): TOPMed below 0.00001; gnomAD 0.00001.
gnomAD v4.1: 1 of 1,613,808 alleles (0.000062%); highest among the groups gnomAD compares: Non-Finnish European, 0.000085%; no homozygotes.

Submissions (4):

Ambry Genetics
Classification: Uncertain significance for Hereditary cancer-predisposing syndrome. Last evaluated: 2025-09-17. Review status: criteria provided, single submitter. Criteria: Ambry Variant Classification Scheme 2023. Collection method: clinical testing. Allele origin: germline.
Comment: The p.D38H variant (also known as c.112G>C), located in coding exon 2 of the NBN gene, results from a G to C substitution at nucleotide position 112. The aspartic acid at codon 38 is replaced by histidine, an amino acid with similar properties. This amino acid position is highly conserved in available vertebrate species. In addition, the in silico prediction for this alteration is inconclusive. Since supporting evidence is limited at this time, the clinical significance of this alteration remains unclear.

Genome-Nilou Lab
Classification: Uncertain significance for Microcephaly, normal intelligence and immunodeficiency. Last evaluated: 2021-11-07. Review status: criteria provided, single submitter. Criteria: ACMG Guidelines, 2015. Collection method: clinical testing. Allele origin: germline. Affected: no.

Labcorp Genetics (formerly Invitae), Labcorp
Classification: Uncertain significance for Microcephaly, normal intelligence and immunodeficiency. Last evaluated: 2021-04-10. Review status: criteria provided, single submitter. Criteria: Invitae Variant Classification Sherloc (09022015). Collection method: clinical testing. Allele origin: germline.
Comment: This sequence change replaces aspartic acid with histidine at codon 38 of the NBN protein (p.Asp38His). The aspartic acid residue is highly conserved and there is a moderate physicochemical difference between aspartic acid and histidine. This variant is not present in population databases (ExAC no frequency). This variant has not been reported in the literature in individuals with NBN-related conditions. ClinVar contains an entry for this variant (Variation ID: 232117). Algorithms developed to predict the effect of missense changes on protein structure and function are either unavailable or do not agree on the potential impact of this missense change (SIFT: "Deleterious"; PolyPhen-2: "Probably Damaging"; Align-GVGD: "Class C0"). In summary, the available evidence is currently insufficient to determine the role of this variant in disease. Therefore, it has been classified as a Variant of Uncertain Significance.

Natera, Inc.
Classification: Uncertain significance for Nijmegen breakage syndrome. Last evaluated: 2021-03-22. Review status: no assertion criteria provided. Collection method: clinical testing. Allele origin: germline. Not counted in ClinVar's aggregate classification.